The following is an entry in ClinVar:

ClinVar aggregate classification (germline): Uncertain significance (1 of 4 stars; one submission).

Submission:

GeneDx
Classification: Uncertain significance. Last evaluated: 2026-04-03. Review status: criteria provided, single submitter. Criteria: GeneDx Variant Classification Process June 2021. Collection method: clinical testing. Allele origin: germline.
Comment: Not observed at significant frequency in large population cohorts (gnomAD); In silico analysis supports that this missense variant has a deleterious effect on protein structure/function; Has not been previously published as pathogenic or benign to our knowledge

NM_001258392.3(CLPB):c.1042C>T (p.Leu348Phe)

Gene: CLPB (ClpB family mitochondrial disaggregase; minus strand). Cytogenetic location: 11q13.4.
Variant type: single nucleotide variant.
Coding change: c.1042C>T on transcript NM_001258392.3 (MANE Select); coding-DNA position 1042, C replaced by T.
Protein change: p.Leu348Phe; replaces leucine 348 with phenylalanine.
Molecular consequence: missense variant.
Genome position (GRCh38, 1-based): chr11:72,308,551, G>A on the plus strand (C>T on the coding strand, the complement: CLPB is on the minus strand). VCF-style: chr11-72308551-G-A. GRCh37 (hg19) VCF-style: chr11-72019595-G-A.
Other names: c.955C>T, p.Leu319Phe (NM_001258393.3); c.997C>T, p.Leu333Phe (NM_001258394.3); c.1132C>T, p.Leu378Phe (NM_030813.6); short protein forms L319F, L333F, L348F, L378F.
Identifiers: ClinVar variation 5017858 (VCV005017858.1).